The following is an entry in ClinVar:

NM_007294.4(BRCA1):c.4129A>G (p.Ser1377Gly)

Gene: BRCA1 (BRCA1 DNA repair associated; minus strand). Cytogenetic location: 17q21.31.
Variant type: single nucleotide variant.
Coding change: c.4129A>G on transcript NM_007294.4 (MANE Select); coding-DNA position 4129, A replaced by G.
Protein change: p.Ser1377Gly; replaces serine 1377 with glycine.
Molecular consequence: missense variant. On other transcripts: non-coding transcript variant (1).
Genome position (GRCh38, 1-based): chr17:43,091,000, T>C on the plus strand (A>G on the coding strand, the complement: BRCA1 is on the minus strand). VCF-style: chr17-43091000-T-C. GRCh37 (hg19) VCF-style: chr17-41243017-T-C.
Other names: p.S1377G:AGC>GGC; c.4006A>G, p.Ser1336Gly (NM_001407675.1, NM_001407676.1, NM_001407677.1 and 19 more transcripts); c.3988A>G, p.Ser1330Gly (NM_001407695.1, NM_001407696.1, NM_001407697.1 and 29 more transcripts); c.3985A>G, p.Ser1329Gly (NM_001407740.1, NM_001407741.1, NM_001407742.1 and 20 more transcripts); c.3919A>G, p.Ser1307Gly (NM_001407879.1, NM_001407881.1, NM_001407882.1 and 13 more transcripts); c.3916A>G, p.Ser1306Gly (NM_001407894.1, NM_001407915.1, NM_001407916.1 and 9 more transcripts); c.3865A>G, p.Ser1289Gly (NM_001407920.1, NM_001407933.1, NM_001407935.1 and 9 more transcripts); c.3862A>G, p.Ser1288Gly (NM_001407931.1, NM_001407932.1, NM_001407934.1 and 2 more transcripts); and 42 more; short protein forms S1377G, S1330G, S274G, S1266G, S1289G, S1306G, S1307G, S1351G.
Identifiers: ClinVar variation 182159 (VCV000182159.23), dbSNP rs730881491, ClinGen allele CA002649.

ClinVar aggregate classification (germline): Uncertain significance. Review status: criteria provided, multiple submitters, no conflicts (2 of 4 stars). 6 submissions from 6 submitters: Uncertain significance (6). Last evaluated 2025-08-07.

Conditions:
BRCA1-related disorder. Also called: BRCA1-related condition.
Hereditary cancer-predisposing syndrome. Also called: Hereditary Cancer Syndrome; Hereditary neoplastic syndrome; Tumor predisposition; Neoplastic Syndromes, Hereditary. Identifiers: Orphanet 140162, MedGen C0027672, MeSH D009386, MONDO:0015356.
Hereditary breast ovarian cancer syndrome. Also called: Hereditary breast and ovarian cancer syndrome; Hereditary breast and ovarian cancer syndrome (HBOC); BRCA1- and BRCA2-Associated Hereditary Breast and Ovarian Cancer; Breast and ovarian cancer; Hereditary breast and ovarian cancer; Hereditary breast and/or ovarian cancer syndrome. Identifiers: Orphanet 145, MedGen C0677776, MeSH D061325, MONDO:0003582. Disease mechanism: loss of function.
Breast-ovarian cancer, familial, susceptibility to, 1 (BROVCA1). Also called: OVARIAN CANCER, SUSCEPTIBILITY TO; BRCA1 Hereditary Breast and Ovarian Cancer. Identifiers: Orphanet 145, MedGen C2676676, MONDO:0011450, OMIM 604370. Disease mechanism: loss of function.

Allele frequency attached by ClinVar (database versions not stated): ExAC 0.00001; TOPMed 0.00002; gnomAD 0.00003.
gnomAD v4.1: 4 of 1,612,854 alleles (0.00025%); highest among the groups gnomAD compares: African/African-American, 0.0053%; no homozygotes.

Submissions (6):

PreventionGenetics, part of Exact Sciences
Classification: Uncertain significance for BRCA1-related condition. Last evaluated: 2025-08-07. Review status: criteria provided, single submitter. Criteria: ACMG Guidelines, 2015. Collection method: clinical testing. Allele origin: germline.
Comment: The BRCA1 c.4129A>G variant is predicted to result in the amino acid substitution p.Ser1377Gly. This variant was identified in a cohort of men undergoing multi-gene panel testing for prostate cancer risk genes (Supplemental Data, Matejcic et al. 2020. PubMed ID: 32832836). However, whether this variant occurred in an individual with prostate cancer or an unaffected control individual was not clearly stated. This variant is reported in 0.011% of alleles in individuals of African descent in gnomAD and is classified as a variant of uncertain significance in the ClinVar database (Variation ID: 182159). At this time, the clinical significance of this variant is uncertain due to the absence of conclusive functional and genetic evidence.

Labcorp Genetics (formerly Invitae), Labcorp
Classification: Uncertain significance for Hereditary breast ovarian cancer syndrome. Last evaluated: 2025-02-03. Review status: criteria provided, single submitter. Criteria: Invitae Variant Classification Sherloc (09022015). Collection method: clinical testing. Allele origin: germline.
Comment: This sequence change replaces serine, which is neutral and polar, with glycine, which is neutral and non-polar, at codon 1377 of the BRCA1 protein (p.Ser1377Gly). This variant is present in population databases (rs730881491, gnomAD 0.01%). This variant has not been reported in the literature in individuals affected with BRCA1-related conditions. ClinVar contains an entry for this variant (Variation ID: 182159). Invitae Evidence Modeling of protein sequence and biophysical properties (such as structural, functional, and spatial information, amino acid conservation, physicochemical variation, residue mobility, and thermodynamic stability) indicates that this missense variant is not expected to disrupt BRCA1 protein function with a negative predictive value of 80%. In summary, the available evidence is currently insufficient to determine the role of this variant in disease. Therefore, it has been classified as a Variant of Uncertain Significance.

Ambry Genetics
Classification: Uncertain significance for Hereditary cancer-predisposing syndrome. Last evaluated: 2024-08-29. Review status: criteria provided, single submitter. Criteria: Ambry Variant Classification Scheme 2023. Collection method: clinical testing. Allele origin: germline.
Comment: The p.S1377G variant (also known as c.4129A>G), located in coding exon 10 of the BRCA1 gene, results from an A to G substitution at nucleotide position 4129. The serine at codon 1377 is replaced by glycine, an amino acid with similar properties. This variant was identified in a cohort of 3,579 African males diagnosed with prostate cancer who underwent multi-gene panel testing of 19 DNA repair and cancer predisposition genes (Matejcic M et al. JCO Precis Oncol, 2020 Jan;4:32-43). This amino acid position is not well conserved in available vertebrate species. In addition, the in silico prediction for this alteration is inconclusive. Based on the available evidence, the clinical significance of this variant remains unclear.

All of Us Research Program, National Institutes of Health
Classification: Uncertain significance for Breast-ovarian cancer, familial, susceptibility to, 1. Last evaluated: 2023-06-26. Review status: criteria provided, single submitter. Criteria: ACMG Guidelines, 2015. Collection method: clinical testing. Allele origin: germline. Inheritance: Autosomal dominant inheritance. Observed: 1 variant allele, 1 heterozygote.
Comment: This missense variant replaces serine with glycine at codon 1377 of the BRCA1 protein. Computational prediction suggests that this variant may not impact protein structure and function (internally defined REVEL score threshold <= 0.5, PMID: 27666373). To our knowledge, functional studies have not been reported for this variant. This variant has not been reported in individuals affected with BRCA1-related disorders in the literature. This variant has been identified in 1/31404 chromosomes in the general population by the Genome Aggregation Database (gnomAD). The available evidence is insufficient to determine the role of this variant in disease conclusively. Therefore, this variant is classified as a Variant of Uncertain Significance.

This study involves interpretation of variants in research participants for the purpose of population health screening. Participant phenotype was not available at the time of variant classification. Additional details can be found in publication PMID: 35346344, PMCID: PMC8962531

Color Diagnostics, LLC DBA Color Health
Classification: Uncertain significance for Hereditary cancer-predisposing syndrome. Last evaluated: 2022-11-07. Review status: criteria provided, single submitter. Criteria: ACMG Guidelines, 2015. Collection method: clinical testing. Allele origin: germline.
Comment: This missense variant replaces serine with glycine at codon 1377 of the BRCA1 protein. Computational prediction suggests that this variant may not impact protein structure and function (internally defined REVEL score threshold <= 0.5, PMID: 27666373). To our knowledge, functional studies have not been reported for this variant. This variant has not been reported in individuals affected with BRCA1-related disorders in the literature. This variant has been identified in 1/31404 chromosomes in the general population by the Genome Aggregation Database (gnomAD). The available evidence is insufficient to determine the role of this variant in disease conclusively. Therefore, this variant is classified as a Variant of Uncertain Significance.

GeneDx
Classification: Uncertain significance. Last evaluated: 2014-01-06. Review status: criteria provided, single submitter. Criteria: GeneDx Variant Classification (06012015). Collection method: clinical testing. Allele origin: germline. Affected: yes.
Comment: This variant is denoted BRCA1 c.4129A>G at the cDNA level, p.Ser1377Gly (S1377G) at the protein level, and results in the change of a Serine to a Glycine (AGC>GGC). This variant has not, to our knowledge, been published in the literature as pathogenic or benign. BRCA1 Ser1377Gly was not observed in approximately 6,500 individuals of European and African American ancestry in the NHLBI Exome Sequencing Project, indicating it is not a common benign variant in these populations. This variant is a non-conservative substitution in which a neutral polar amino acid is replaced with a neutral non-polar one, altering a position that is only moderately conserved throughout evolution and is not located in a known functional domain. In silico analyses predict this variant to have a benign effect on protein structure and function. Based on currently available information, it is unclear whether BRCA1 Ser1377Gly is pathogenic or benign. We consider it to be a variant of uncertain significance.

Literature cited by the submitters: PubMed 32832836 (cited by Ambry Genetics).